The following is an entry in ClinVar:

ClinVar aggregate classification (germline): Pathogenic (1 of 4 stars; one submission).

Submission:

GeneDx
Classification: Pathogenic. Last evaluated: 2026-10-05. Review status: criteria provided, single submitter. Criteria: GeneDx Variant Classification Process June 2021. Collection method: clinical testing. Allele origin: germline.
Comment: Nonsense variant predicted to result in protein truncation or nonsense mediated decay in a gene for which loss of function is a known mechanism of disease; Not observed at significant frequency in large population cohorts (gnomAD); Has not been previously published as pathogenic or benign to our knowledge

NM_001164508.2(NEB):c.15781G>T (p.Glu5261Ter)

Gene: NEB (nebulin; minus strand). Cytogenetic location: 2q23.3.
Variant type: single nucleotide variant.
Coding change: c.15781G>T on transcript NM_001164508.2 (MANE Select); coding-DNA position 15781, G replaced by T.
Protein change: p.Glu5261Ter; replaces glutamic acid 5261 with a stop codon.
Molecular consequence: nonsense. On other transcripts: intron variant (1).
Genome position (GRCh38, 1-based): chr2:151,583,649, C>A on the plus strand (G>T on the coding strand, the complement: NEB is on the minus strand). VCF-style: chr2-151583649-C-A. GRCh37 (hg19) VCF-style: chr2-152440163-C-A.
Other names: c.15781G>T, p.Glu5261Ter (NM_001164507.2, NM_001271208.2); c.11602-7295G>T (NM_004543.5); short protein forms E5261*.
Identifiers: ClinVar variation 817518 (VCV000817518.2), dbSNP rs1391372707, ClinGen allele CA348757375.